The following is an entry in ClinVar:

ClinVar aggregate classification (germline): Likely benign. Review status: criteria provided, multiple submitters, no conflicts (2 of 4 stars). 2 submissions from 2 submitters: Likely benign (2). Last evaluated 2024-07-29.

Conditions:
Cardiomyopathy (CMYO). Also called: Cardiomyopathies. Identifiers: Orphanet 167848, MedGen C0878544, MONDO:0004994, HP:0001638. Inheritance: Various modes of inheritance.
Arrhythmogenic cardiomyopathy with wooly hair and keratoderma. Also called: Carvajal syndrome; PALMOPLANTAR KERATODERMA WITH LEFT VENTRICULAR CARDIOMYOPATHY AND WOOLLY HAIR; Dilated cardiomyopathy with woolly hair and keratoderma; Arrhythmogenic cardiomyopathy with woolly hair and keratoderma. Identifiers: Orphanet 65282, MedGen C1854063, MONDO:0011581, OMIM 605676.

gnomAD v4.1: 1 of 1,614,114 alleles (0.000062%); highest among the groups gnomAD compares: Non-Finnish European, 0.000085%; no homozygotes.

Submissions (2):

All of Us Research Program, National Institutes of Health
Classification: Likely benign for Arrhythmogenic cardiomyopathy with wooly hair and keratoderma. Last evaluated: 2024-07-29. Review status: criteria provided, single submitter. Criteria: ACMG Guidelines, 2015. Collection method: clinical testing. Allele origin: germline. Inheritance: Autosomal dominant inheritance. Observed: 1 variant allele, 1 heterozygote.
Comment: This study involves interpretation of variants in research participants for the purpose of population health screening. Participant phenotype was not available at the time of variant classification. Additional details can be found in publication PMID: 35346344, PMCID: PMC8962531

Color Diagnostics, LLC DBA Color Health
Classification: Likely benign for Cardiomyopathy. Last evaluated: 2024-02-25. Review status: criteria provided, single submitter. Criteria: ACMG Guidelines, 2015. Collection method: clinical testing. Allele origin: germline.

NM_004415.4(DSP):c.7125G>C (p.Gly2375=)

Gene: DSP (desmoplakin; plus strand). Cytogenetic location: 6p24.3.
Variant type: single nucleotide variant.
Coding change: c.7125G>C on transcript NM_004415.4 (MANE Select); coding-DNA position 7125, G replaced by C.
Protein change: p.Gly2375=; no amino-acid change (glycine 2375 retained).
Molecular consequence: synonymous variant.
Genome position (GRCh38, 1-based): chr6:7,584,387, G>C. VCF-style: chr6-7584387-G-C. GRCh37 (hg19) VCF-style: chr6-7584620-G-C.
Other names: c.5328G>C, p.Gly1776= (NM_001008844.3); c.5796G>C, p.Gly1932= (NM_001319034.2).
Identifiers: ClinVar variation 3386714 (VCV003386714.2).